The following is an entry in ClinVar:

ClinVar aggregate classification (germline): Likely pathogenic (1 of 4 stars; one submission).

Conditions:
Vanishing white matter disease. Also called: CACH syndrome; Childhood ataxia with diffuse central nervous system hypomyelination; Leukoencephalopathy with vanishing white matter; CACH/VWM syndrome; Cree leukoencehalopathy. Identifiers: Orphanet 135, Orphanet 99853, MedGen C1858991, MONDO:0800448.

Submission:

Natera, Inc.
Classification: Likely pathogenic for Leukoencephalopathy with vanishing white matter. Last evaluated: 2024-10-20. Review status: criteria provided, single submitter. Criteria: Natera Variant Classification Schema (03/2026). Collection method: clinical testing. Allele origin: germline.
Comment: The c.506+1G>A variant in EIF2B5 is a canonical splice donor site variant predicted to affect pre-mRNA splicing, which may result in an abnormal transcript and altered protein product. This variant is expected to result in nonsense mediated decay, truncation, or a dysfunctional protein product. This variant is rare in the general population with a frequency below the threshold expected for the associated phenotype(s). Given the available evidence, this variant is classified as Likely Pathogenic.

NM_003907.3(EIF2B5):c.506+1G>A

Gene: EIF2B5 (eukaryotic translation initiation factor 2B subunit epsilon; plus strand). Cytogenetic location: 3q27.1.
Variant type: single nucleotide variant.
Coding change: c.506+1G>A on transcript NM_003907.3 (MANE Select); the canonical splice donor site of the intron after coding-DNA position 506, G replaced by A.
Molecular consequence: splice donor variant.
Genome position (GRCh38, 1-based): chr3:184,137,806, G>A. VCF-style: chr3-184137806-G-A. GRCh37 (hg19) VCF-style: chr3-183855594-G-A.
Identifiers: ClinVar variation 4815284 (VCV004815284.1).